The following is an entry in ClinVar:

NM_000548.5(TSC2):c.3108del (p.Asn1037fs)

Gene: TSC2 (TSC complex subunit 2; plus strand). Cytogenetic location: 16p13.3.
Variant type: Deletion.
Coding change: c.3108del on transcript NM_000548.5 (MANE Select); coding-DNA position 3108, one base deleted (C; older notation c.3108delC).
Protein change: p.Asn1037fs; shifts the reading frame from asparagine 1037.
Molecular consequence: frameshift variant. On other transcripts: non-coding transcript variant (5).
Genome position (GRCh38, 1-based): chr16:2,079,173, C deleted; the last of 2 consecutive C bases (chr16:2,079,172-2,079,173); deleting either gives the same sequence. VCF-style (leftmost placement, unchanged base first): chr16-2079171-TC-T. GRCh37 (hg19) VCF-style: chr16-2129172-TC-T.
Other names: c.1632del, p.Asn545fs (NM_001406691.1, NM_001406695.1, NM_001406696.1 and 1 more transcripts); c.1635del, p.Asn546fs (NM_001406692.1, NM_001406693.1, NM_001406694.1 and 1 more transcripts); c.1374del, p.Asn459fs (NM_001406698.1); c.2979del, p.Asn994fs (NM_021055.3, NM_001363528.2, NM_001370405.1); c.2976del, p.Asn993fs (NM_001077183.3, NM_001370404.1, NM_001406665.1); c.3108del, p.Asn1037fs (NM_001114382.3); c.2868del, p.Asn957fs (NM_001318827.2); c.2832del, p.Asn945fs (NM_001318829.2); and 18 more; short protein forms N1023fs, N1024fs, N1036fs, N546fs, N836fs, N988fs, N990fs, N994fs.
Identifiers: ClinVar variation 4714212 (VCV004714212.2).

ClinVar aggregate classification (germline): Pathogenic. Review status: criteria provided, multiple submitters, no conflicts (2 of 4 stars). 2 submissions from 2 submitters: Pathogenic (2). Last evaluated 2026-07-24.

Conditions:
Tuberous sclerosis 2 (TSC2). Identifiers: Orphanet 805, MedGen C1860707, MONDO:0013199, OMIM 613254.
Hereditary cancer-predisposing syndrome. Also called: Hereditary Cancer Syndrome; Hereditary neoplastic syndrome; Neoplastic Syndromes, Hereditary; Tumor predisposition. Identifiers: Orphanet 140162, MedGen C0027672, MeSH D009386, MONDO:0015356.

Submissions (2):

Ambry Genetics
Classification: Pathogenic for Hereditary cancer-predisposing syndrome. Last evaluated: 2026-07-24. Review status: criteria provided, single submitter. Criteria: Ambry Variant Classification Scheme 2023. Collection method: clinical testing. Allele origin: germline.
Comment: The c.3108delC pathogenic mutation, located in coding exon 26 of the TSC2 gene, results from a deletion of one nucleotide at nucleotide position 3108, causing a translational frameshift with a predicted alternate stop codon (p.N1037Tfs*16). This variant is considered to be rare based on population cohorts in the Genome Aggregation Database (gnomAD). This variant was reported in individual(s) with features consistent with tuberous sclerosis complex (Ambry internal data). This alteration is expected to result in loss of function by premature protein truncation or nonsense-mediated mRNA decay. As such, this alteration is interpreted as a disease-causing mutation.

Labcorp Genetics (formerly Invitae), Labcorp
Classification: Pathogenic for Tuberous sclerosis 2. Last evaluated: 2025-03-09. Review status: criteria provided, single submitter. Criteria: Invitae Variant Classification Sherloc (09022015). Collection method: clinical testing. Allele origin: germline.
Comment: This sequence change creates a premature translational stop signal (p.Asn1037Thrfs*16) in the TSC2 gene. It is expected to result in an absent or disrupted protein product. Loss-of-function variants in TSC2 are known to be pathogenic (PMID: 10205261, 17304050). This variant is not present in population databases (gnomAD no frequency). This variant has not been reported in the literature in individuals affected with TSC2-related conditions. For these reasons, this variant has been classified as Pathogenic.

Literature cited by the submitters: PubMed 10205261 (cited by Labcorp Genetics (formerly Invitae), Labcorp); PubMed 17304050 (cited by Labcorp Genetics (formerly Invitae), Labcorp).